The following is an entry in ClinVar:

NM_001079.4(ZAP70):c.1274_1275delinsGT (p.Phe425Cys)

Gene: ZAP70 (zeta chain of T cell receptor associated protein kinase 70; plus strand). Cytogenetic location: 2q11.2.
Variant type: Indel.
Coding change: c.1274_1275delinsGT on transcript NM_001079.4 (MANE Select); coding-DNA positions 1274 to 1275, TC replaced by GT.
Protein change: p.Phe425Cys; replaces phenylalanine 425 with cysteine.
Molecular consequence: missense variant.
Genome position (GRCh38, 1-based): chr2:97,735,441-97,735,442, TC replaced by GT. VCF-style: chr2-97735441-TC-GT. GRCh37 (hg19) VCF-style: chr2-98351904-TC-GT.
Other names: c.1274_1275delinsGT, p.Phe425Cys (NM_001378594.1); c.353_354delinsGT, p.Phe118Cys (NM_207519.2); short protein forms F425C, F118C.
Identifiers: ClinVar variation 955192 (VCV000955192.8), dbSNP rs1677830761, ClinGen allele CA1139657159.

ClinVar aggregate classification (germline): Uncertain significance. Review status: criteria provided, multiple submitters, no conflicts (2 of 4 stars). 2 submissions from 2 submitters: Uncertain significance (2). Last evaluated 2022-08-23.

Conditions:
Combined immunodeficiency due to ZAP70 deficiency (IMD48). Also called: Immunodeficiency 48; ZAP70 Deficiency. Identifiers: Orphanet 911, MedGen C2931299, MONDO:0010023, OMIM 269840.

Submissions (2):

Labcorp Genetics (formerly Invitae), Labcorp
Classification: Uncertain significance for Combined immunodeficiency due to ZAP70 deficiency. Last evaluated: 2022-08-23. Review status: criteria provided, single submitter. Criteria: Invitae Variant Classification Sherloc (09022015). Collection method: clinical testing. Allele origin: germline.
Comment: This sequence change replaces phenylalanine, which is neutral and non-polar, with cysteine, which is neutral and slightly polar, at codon 425 of the ZAP70 protein (p.Phe425Cys). This variant is present in population databases (no rsID available, gnomAD 0.4%). This variant has not been reported in the literature in individuals affected with ZAP70-related conditions. ClinVar contains an entry for this variant (Variation ID: 955192). Algorithms developed to predict the effect of missense changes on protein structure and function are either unavailable or do not agree on the potential impact of this missense change (SIFT: "Not Available"; PolyPhen-2: "Probably Damaging"; Align-GVGD: "Not Available"). In summary, the available evidence is currently insufficient to determine the role of this variant in disease. Therefore, it has been classified as a Variant of Uncertain Significance.

Blueprint Genetics
Classification: Uncertain significance. Last evaluated: 2019-04-03. Review status: criteria provided, single submitter. Criteria: ACMG Guidelines, 2015. Collection method: clinical testing. Allele origin: germline.